The following is an entry in ClinVar:

ClinVar aggregate classification (germline): Uncertain significance (1 of 4 stars; one submission).

Conditions:
Hereditary cancer-predisposing syndrome. Also called: Neoplastic Syndromes, Hereditary; Tumor predisposition; Hereditary Cancer Syndrome; Hereditary neoplastic syndrome. Identifiers: Orphanet 140162, MedGen C0027672, MeSH D009386, MONDO:0015356.

Submission:

Labcorp Genetics (formerly Invitae), Labcorp
Classification: Uncertain significance for Hereditary cancer-predisposing syndrome. Last evaluated: 2018-09-24. Review status: criteria provided, single submitter. Criteria: Invitae Variant Classification Sherloc (09022015). Collection method: clinical testing. Allele origin: germline.
Comment: This sequence change replaces glutamine with arginine at codon 876 of the RAD50 protein (p.Gln876Arg). The glutamine residue is moderately conserved and there is a small physicochemical difference between glutamine and arginine. This variant is not present in population databases (ExAC no frequency). This variant has not been reported in the literature in individuals with RAD50-related disease. Algorithms developed to predict the effect of missense changes on protein structure and function (SIFT, PolyPhen-2, Align-GVGD) all suggest that this variant is likely to be tolerated, but these predictions have not been confirmed by published functional studies and their clinical significance is uncertain. In summary, the available evidence is currently insufficient to determine the role of this variant in disease. Therefore, it has been classified as a Variant of Uncertain Significance.

NM_005732.4(RAD50):c.2627A>G (p.Gln876Arg)

Gene: RAD50 (RAD50 double strand break repair protein; plus strand). Cytogenetic location: 5q31.1.
Variant type: single nucleotide variant.
Coding change: c.2627A>G on transcript NM_005732.4 (MANE Select); coding-DNA position 2627, A replaced by G.
Protein change: p.Gln876Arg; replaces glutamine 876 with arginine.
Molecular consequence: missense variant.
Genome position (GRCh38, 1-based): chr5:132,604,908, A>G. VCF-style: chr5-132604908-A-G. GRCh37 (hg19) VCF-style: chr5-131940600-A-G.
Other names: short protein forms Q876R.
Identifiers: ClinVar variation 639951 (VCV000639951.9), dbSNP rs1581002130, ClinGen allele CA360956628.